The following is an entry in ClinVar:

NM_024649.5(BBS1):c.1094A>G (p.Asn365Ser)

Genes: BBS1 (Bardet-Biedl syndrome 1; plus strand), ZDHHC24 (zDHHC palmitoyltransferase 24; minus strand). Cytogenetic location: 11q13.2.
Variant type: single nucleotide variant.
Coding change: c.1094A>G on transcript NM_024649.5 (MANE Select); coding-DNA position 1094, A replaced by G.
Protein change: p.Asn365Ser; replaces asparagine 365 with serine.
Molecular consequence: missense variant. On other transcripts: intron variant (1).
Genome position (GRCh38, 1-based): chr11:66,523,866, A>G. VCF-style: chr11-66523866-A-G. GRCh37 (hg19) VCF-style: chr11-66291337-A-G.
Other names: c.*22-2400T>C (NM_001348571.2); short protein forms N365S.
Identifiers: ClinVar variation 4980572 (VCV004980572.1).

ClinVar aggregate classification (germline): Uncertain significance (1 of 4 stars; one submission).

Conditions:
BBS1-related disorder. Also called: BBS1-related condition.

gnomAD v4.1: 10 of 1,613,426 alleles (0.00062%); highest among the groups gnomAD compares: South Asian, 0.0066%; no homozygotes.

Submission:

PreventionGenetics, part of Exact Sciences
Classification: Uncertain significance for BBS1-related condition. Last evaluated: 2025-06-30. Review status: criteria provided, single submitter. Criteria: ACMG Guidelines, 2015. Collection method: clinical testing. Allele origin: germline.
Comment: The BBS1 c.1094A>G variant is predicted to result in the amino acid substitution p.Asn365Ser. To our knowledge, this variant has not been reported in the literature. This variant is reported in 0.013% of alleles in individuals of South Asian descent in gnomAD. At this time, the clinical significance of this variant is uncertain due to the absence of conclusive functional and genetic evidence.